The following is an entry in ClinVar:

NM_018418.5(SPATA7):c.1330G>A (p.Ala444Thr)

Gene: SPATA7 (spermatogenesis associated 7; plus strand). Cytogenetic location: 14q31.3.
Variant type: single nucleotide variant.
Coding change: c.1330G>A on transcript NM_018418.5 (MANE Select); coding-DNA position 1330, G replaced by A.
Protein change: p.Ala444Thr; replaces alanine 444 with threonine.
Molecular consequence: missense variant.
Genome position (GRCh38, 1-based): chr14:88,437,952, G>A. VCF-style: chr14-88437952-G-A. GRCh37 (hg19) VCF-style: chr14-88904296-G-A.
Other names: c.1234G>A, p.Ala412Thr (NM_001040428.4); short protein forms A412T, A444T.
Identifiers: ClinVar variation 2009148 (VCV002009148.1), dbSNP rs1370691742, ClinGen allele CA390571465.

ClinVar aggregate classification (germline): Uncertain significance (1 of 4 stars; one submission).

Conditions:
Leber congenital amaurosis 3 (LCA3). Also called: SPATA7-Related Retinitis Pigmentosa. Identifiers: MedGen C1858677, MONDO:0011415, OMIM 604232.

gnomAD v4.1: 2 of 1,613,956 alleles (0.00012%); no homozygotes.

Submission:

Labcorp Genetics (formerly Invitae), Labcorp
Classification: Uncertain significance for Leber congenital amaurosis 3. Last evaluated: 2022-06-22. Review status: criteria provided, single submitter. Criteria: Invitae Variant Classification Sherloc (09022015). Collection method: clinical testing. Allele origin: germline.
Comment: This sequence change replaces alanine, which is neutral and non-polar, with threonine, which is neutral and polar, at codon 444 of the SPATA7 protein (p.Ala444Thr). This variant is not present in population databases (gnomAD no frequency). This variant has not been reported in the literature in individuals affected with SPATA7-related conditions. Algorithms developed to predict the effect of missense changes on protein structure and function output the following: SIFT: "Tolerated"; PolyPhen-2: "Benign"; Align-GVGD: "Class C0". The threonine amino acid residue is found in multiple mammalian species, which suggests that this missense change does not adversely affect protein function. In summary, the available evidence is currently insufficient to determine the role of this variant in disease. Therefore, it has been classified as a Variant of Uncertain Significance.